The following is an entry in ClinVar:

NM_198578.4(LRRK2):c.3014G>A (p.Cys1005Tyr)

Gene: LRRK2 (leucine rich repeat kinase 2; plus strand). Cytogenetic location: 12q12.
Variant type: single nucleotide variant.
Coding change: c.3014G>A on transcript NM_198578.4 (MANE Select); coding-DNA position 3014, G replaced by A.
Protein change: p.Cys1005Tyr; replaces cysteine 1005 with tyrosine.
Molecular consequence: missense variant.
Genome position (GRCh38, 1-based): chr12:40,295,562, G>A. VCF-style: chr12-40295562-G-A. GRCh37 (hg19) VCF-style: chr12-40689364-G-A.
Other names: short protein forms C1005Y.
Identifiers: ClinVar variation 2737496 (VCV002737496.3), dbSNP rs762075901, ClinGen allele CA384412844.

ClinVar aggregate classification (germline): Uncertain significance (1 of 4 stars; one submission).

Conditions:
Autosomal dominant Parkinson disease 8. Also called: Parkinson disease 8, susceptibility to; LRRK2-Related Parkinson Disease; Parkinson disease 8. Identifiers: Orphanet 411602, MedGen C1846862, MONDO:0011764, OMIM 607060.

Allele frequency attached by ClinVar (database versions not stated): gnomAD 0.00001.
gnomAD v4.1: 14 of 1,613,900 alleles (0.00087%); highest among the groups gnomAD compares: African/African-American, 0.0053%; no homozygotes.

Submission:

Labcorp Genetics (formerly Invitae), Labcorp
Classification: Uncertain significance for Autosomal dominant Parkinson disease 8. Last evaluated: 2023-09-13. Review status: criteria provided, single submitter. Criteria: Invitae Variant Classification Sherloc (09022015). Collection method: clinical testing. Allele origin: germline.
Comment: Advanced modeling of protein sequence and biophysical properties (such as structural, functional, and spatial information, amino acid conservation, physicochemical variation, residue mobility, and thermodynamic stability) performed at Invitae indicates that this missense variant is not expected to disrupt LRRK2 protein function. In summary, the available evidence is currently insufficient to determine the role of this variant in disease. Therefore, it has been classified as a Variant of Uncertain Significance. This variant has not been reported in the literature in individuals affected with LRRK2-related conditions. This variant is not present in population databases (gnomAD no frequency). This sequence change replaces cysteine, which is neutral and slightly polar, with tyrosine, which is neutral and polar, at codon 1005 of the LRRK2 protein (p.Cys1005Tyr).